The following is an entry in ClinVar:

NM_173630.4(RTTN):c.5572C>G (p.Leu1858Val)

Gene: RTTN (rotatin; minus strand). Cytogenetic location: 18q22.2.
Variant type: single nucleotide variant.
Coding change: c.5572C>G on transcript NM_173630.4 (MANE Select); coding-DNA position 5572, C replaced by G.
Protein change: p.Leu1858Val; replaces leucine 1858 with valine.
Molecular consequence: missense variant.
Genome position (GRCh38, 1-based): chr18:70,030,951, G>C on the plus strand (C>G on the coding strand, the complement: RTTN is on the minus strand). VCF-style: chr18-70030951-G-C. GRCh37 (hg19) VCF-style: chr18-67698187-G-C.
Other names: c.2836C>G, p.Leu946Val (NM_001318520.2); short protein forms L1858V, L946V.
Identifiers: ClinVar variation 423446 (VCV000423446.3), dbSNP rs777149582, ClinGen allele CA8994904.

ClinVar aggregate classification (germline): Uncertain significance (1 of 4 stars; one submission).

Allele frequency attached by ClinVar (database versions not stated): ExAC 0.00001.
gnomAD v4.1: 1 of 1,613,292 alleles (0.000062%); no homozygotes.

Submission:

GeneDx
Classification: Uncertain significance. Last evaluated: 2020-01-09. Review status: criteria provided, single submitter. Criteria: GeneDx Variant Classification Process June 2021. Collection method: clinical testing. Allele origin: germline. Affected: yes.
Comment: Not observed in large population cohorts (Lek et al., 2016); In silico analysis, which includes protein predictors and evolutionary conservation, supports that this variant does not alter protein structure/function; Has not been previously published as pathogenic or benign to our knowledge